The following is an entry in ClinVar:

ClinVar aggregate classification (germline): Uncertain significance (1 of 4 stars; one submission).

Conditions:
Cohen syndrome (COH1). Also called: PEPPER SYNDROME; Cutis verticis gyrata, retinitis pigmentosa, and sensorineural deafness. Identifiers: Orphanet 193, MedGen C0265223, MONDO:0008999, OMIM 216550.

Allele frequency attached by ClinVar (database versions not stated): gnomAD exomes below 0.00001.
gnomAD v4.1: 2 of 1,614,154 alleles (0.00012%); highest among the groups gnomAD compares: East Asian, 0.0022%; no homozygotes.

Submission:

Labcorp Genetics (formerly Invitae), Labcorp
Classification: Uncertain significance for Cohen syndrome. Last evaluated: 2023-10-03. Review status: criteria provided, single submitter. Criteria: Invitae Variant Classification Sherloc (09022015). Collection method: clinical testing. Allele origin: germline.
Comment: This sequence change replaces glycine, which is neutral and non-polar, with glutamic acid, which is acidic and polar, at codon 3563 of the VPS13B protein (p.Gly3563Glu). This variant is present in population databases (no rsID available, gnomAD 0.003%). This variant has not been reported in the literature in individuals affected with VPS13B-related conditions. ClinVar contains an entry for this variant (Variation ID: 2416864). Advanced modeling of protein sequence and biophysical properties (such as structural, functional, and spatial information, amino acid conservation, physicochemical variation, residue mobility, and thermodynamic stability) performed at Invitae indicates that this missense variant is not expected to disrupt VPS13B protein function. In summary, the available evidence is currently insufficient to determine the role of this variant in disease. Therefore, it has been classified as a Variant of Uncertain Significance.

NM_152564.5(VPS13B):c.10613G>A (p.Gly3538Glu)

Gene: VPS13B (vacuolar protein sorting 13 homolog B; plus strand). Cytogenetic location: 8q22.2.
Variant type: single nucleotide variant.
Coding change: c.10613G>A on transcript NM_152564.5 (MANE Select); coding-DNA position 10613, G replaced by A.
Protein change: p.Gly3538Glu; replaces glycine 3538 with glutamic acid.
Molecular consequence: missense variant.
Genome position (GRCh38, 1-based): chr8:99,854,002, G>A. VCF-style: chr8-99854002-G-A. GRCh37 (hg19) VCF-style: chr8-100866230-G-A.
Other names: c.10688G>A, p.Gly3563Glu (NM_017890.5); short protein forms G3538E, G3563E.
Identifiers: ClinVar variation 2416864 (VCV002416864.5), dbSNP rs1178697872, ClinGen allele CA371784405.
Genomic context (GRCh38, chr8:99,854,002, plus strand): 5'-CTTTGTTTGACACCTACCTTCCTAACAGCAGGTTGGCTGGTCACTCCACACACCTCTCCG[G>A]GGGTAAACAGGTGTTGCCCATGCAGGTCACACAGCACGCCAGGGCCTTGGTGAATCCTGT-3'
Protein context (NP_689777.3, residues 3528-3548): RLAGHSTHLS[Gly3538Glu]GKQVLPMQVT